The following is an entry in ClinVar:

ClinVar aggregate classification (germline): Conflicting classifications of pathogenicity. Review status: criteria provided, conflicting classifications (1 of 4 stars). 3 submissions from 3 submitters: Uncertain significance (2); Likely benign (1). Last evaluated 2026-01-25.

Conditions:
Connective tissue disorder. Also called: Connective tissue disease. Identifiers: MedGen C0009782, MONDO:0003900.
Short-rib thoracic dysplasia 6 with or without polydactyly (SRTD6). Also called: SHORT-RIB THORACIC DYSPLASIA 6 WITH POLYDACTYLY; SHORT-RIB THORACIC DYSPLASIA 6 WITHOUT POLYDACTYLY; POLYDACTYLY WITH NEONATAL CHONDRODYSTROPHY, TYPE II; SHORT RIB-POLYDACTYLY SYNDROME, TYPE IIA; Majewski Syndrome. Identifiers: MedGen C0024507, MONDO:0009894, OMIM 263520.

Allele frequency attached by ClinVar (database versions not stated): TOPMed 0.00001; ExAC 0.00009.
gnomAD v4.1: 90 of 1,613,550 alleles (0.0056%); highest among the groups gnomAD compares: South Asian, 0.093%; no homozygotes.

Submissions (3):

Labcorp Genetics (formerly Invitae), Labcorp
Classification: Likely benign for Short-rib thoracic dysplasia 6 with or without polydactyly. Last evaluated: 2026-01-25. Review status: criteria provided, single submitter. Criteria: Invitae Variant Classification Sherloc (09022015). Collection method: clinical testing. Allele origin: germline.

Genome Diagnostics Laboratory, The Hospital for Sick Children
Classification: Uncertain significance for Connective tissue disorder. Last evaluated: 2019-09-16. Review status: criteria provided, single submitter. Criteria: ACMG Guidelines, 2015. Collection method: clinical testing. Allele origin: germline.

Neuberg Centre For Genomic Medicine, NCGM
Classification: Uncertain significance for Short-rib thoracic dysplasia 6 with or without polydactyly. Review status: criteria provided, single submitter. Criteria: ACMG Guidelines, 2015. Collection method: clinical testing. Allele origin: germline. Inheritance: Autosomal recessive inheritance. Affected: yes.
Comment: The missense variant c.894C>G (p.Asn298Lys) in NEK1 gene has not been reported previously as a pathogenic variant nor as a benign variant, to our knowledge. The p.Asn298Lys variant is novel (not in any individuals) in 1000 Genomes and allele frequency of 0.008028% is reported in gnomAD. The amino acid Asn at position 298 is changed to a Lys changing protein sequence and it might alter its composition and physico-chemical properties. In silico tools predict the variant to be tolerated. The residue is conserved across species. The amino acid change p.Asn298Lys in NEK1 is predicted as conserved by GERP++ and PhyloP across 100 vertebrates. For these reasons, this variant has been classified as Uncertain Significance.

NM_001199397.3(NEK1):c.894C>G (p.Asn298Lys)

Gene: NEK1 (NIMA related kinase 1; minus strand). Cytogenetic location: 4q33.
Variant type: single nucleotide variant.
Coding change: c.894C>G on transcript NM_001199397.3 (MANE Select); coding-DNA position 894, C replaced by G.
Protein change: p.Asn298Lys; replaces asparagine 298 with lysine.
Molecular consequence: missense variant. On other transcripts: non-coding transcript variant (2).
Genome position (GRCh38, 1-based): chr4:169,577,054, G>C on the plus strand (C>G on the coding strand, the complement: NEK1 is on the minus strand). VCF-style: chr4-169577054-G-C. GRCh37 (hg19) VCF-style: chr4-170498205-G-C.
Other names: c.894C>G, p.Asn298Lys (NM_001199398.3, NM_001199399.3, NM_001199400.3 and 7 more transcripts); c.894C>G (NM_001199397.2); short protein forms N298K.
Identifiers: ClinVar variation 1702470 (VCV001702470.8), dbSNP rs745526568, ClinGen allele CA3137916.